The following is an entry in ClinVar:

NM_144997.7(FLCN):c.725C>T (p.Thr242Ile)

Gene: FLCN (folliculin; minus strand). Cytogenetic location: 17p11.2.
Variant type: single nucleotide variant.
Coding change: c.725C>T on transcript NM_144997.7 (MANE Select); coding-DNA position 725, C replaced by T.
Protein change: p.Thr242Ile; replaces threonine 242 with isoleucine.
Molecular consequence: missense variant.
Genome position (GRCh38, 1-based): chr17:17,222,555, G>A on the plus strand (C>T on the coding strand, the complement: FLCN is on the minus strand). VCF-style: chr17-17222555-G-A. GRCh37 (hg19) VCF-style: chr17-17125869-G-A.
Other names: c.779C>T, p.Thr260Ile (NM_001353229.2); c.725C>T, p.Thr242Ile (NM_001353230.2, NM_001353231.2, NM_144606.7); short protein forms T260I, T242I.
Identifiers: ClinVar variation 2624778 (VCV002624778.4), dbSNP rs536249722, ClinGen allele CA8416331.
Genomic context (GRCh38, chr17:17,222,555, plus strand): 5'-CGTTACCAGGCAAAGGAGGTGTGCAGGCACGCCCACAGGTTGTCATCACTTGTCAGCGAT[G>A]TCAGCGAGCGGGCGGCGTTGCCGTTCCTCTGGTGTAGGAATGGCGTGAAGGCTGTGTTCA-3'
Protein context (NP_659434.2, residues 232-252): QRNGNAARSL[Thr242Ile]SLTSDDNLWA

ClinVar aggregate classification (germline): Conflicting classifications of pathogenicity. Review status: criteria provided, conflicting classifications (1 of 4 stars). 2 submissions from 2 submitters: Uncertain significance (1); Benign (1). Last evaluated 2024-11-12.

Conditions:
Hereditary cancer-predisposing syndrome. Also called: Tumor predisposition; Neoplastic Syndromes, Hereditary; Hereditary Cancer Syndrome; Hereditary neoplastic syndrome. Identifiers: Orphanet 140162, MedGen C0027672, MeSH D009386, MONDO:0015356.
Birt-Hogg-Dube syndrome. Also called: Birt Hogg Dubé syndrome. Identifiers: Orphanet 122, MedGen C0346010, MONDO:0800444.

Allele frequency attached by ClinVar (database versions not stated): gnomAD exomes below 0.00001; TOPMed below 0.00001; ExAC 0.00001; gnomAD 0.00001; 1000 Genomes Project 30x 0.00016; 1000 Genomes Project 0.00020.
gnomAD v4.1: 4 of 1,614,272 alleles (0.00025%); highest among the groups gnomAD compares: East Asian, 0.0022%; no homozygotes.

Submissions (2):

Labcorp Genetics (formerly Invitae), Labcorp
Classification: Uncertain significance for Birt-Hogg-Dube syndrome. Last evaluated: 2024-11-12. Review status: criteria provided, single submitter. Criteria: Invitae Variant Classification Sherloc (09022015). Collection method: clinical testing. Allele origin: germline.
Comment: This sequence change replaces threonine, which is neutral and polar, with isoleucine, which is neutral and non-polar, at codon 242 of the FLCN protein (p.Thr242Ile). This variant is present in population databases (rs536249722, gnomAD 0.02%). This variant has not been reported in the literature in individuals affected with FLCN-related conditions. ClinVar contains an entry for this variant (Variation ID: 2624778). Invitae Evidence Modeling of protein sequence and biophysical properties (such as structural, functional, and spatial information, amino acid conservation, physicochemical variation, residue mobility, and thermodynamic stability) indicates that this missense variant is not expected to disrupt FLCN protein function with a negative predictive value of 80%. In summary, the available evidence is currently insufficient to determine the role of this variant in disease. Therefore, it has been classified as a Variant of Uncertain Significance.

Ambry Genetics
Classification: Benign for Hereditary cancer-predisposing syndrome. Last evaluated: 2023-07-19. Review status: criteria provided, single submitter. Criteria: Ambry Variant Classification Scheme 2023. Collection method: clinical testing. Allele origin: germline.